The following is an entry in ClinVar:

ClinVar aggregate classification (germline): Likely benign. Review status: criteria provided, multiple submitters, no conflicts (2 of 4 stars). 2 submissions from 2 submitters: Likely benign (2). Last evaluated 2023-11-28.

Conditions:
Cardiomyopathy (CMYO). Also called: Cardiomyopathies. Identifiers: Orphanet 167848, MedGen C0878544, MONDO:0004994, HP:0001638. Inheritance: Various modes of inheritance.
Hypertrophic cardiomyopathy. Also called: HYPERTROPHIC MYOCARDIOPATHY. Identifiers: Orphanet 217569, MedGen C0007194, MeSH D002312, MONDO:0005045, HP:0001639.

Allele frequency attached by ClinVar (database versions not stated): gnomAD exomes below 0.00001.
gnomAD v4.1: 1 of 1,612,112 alleles (0.000062%); highest among the groups gnomAD compares: Non-Finnish European, 0.000085%; no homozygotes.

Submissions (2):

All of Us Research Program, National Institutes of Health
Classification: Likely benign for Hypertrophic cardiomyopathy. Last evaluated: 2023-11-28. Review status: criteria provided, single submitter. Criteria: ACMG Guidelines, 2015. Collection method: clinical testing. Allele origin: germline. Inheritance: Autosomal dominant inheritance. Observed: 1 variant allele, 1 heterozygote.
Comment: This study involves interpretation of variants in research participants for the purpose of population health screening. Participant phenotype was not available at the time of variant classification. Additional details can be found in publication PMID: 35346344, PMCID: PMC8962531

Color Diagnostics, LLC DBA Color Health
Classification: Likely benign for Cardiomyopathy. Last evaluated: 2018-07-09. Review status: criteria provided, single submitter. Criteria: ACMG Guidelines, 2015. Collection method: clinical testing. Allele origin: germline.

NM_016203.4(PRKAG2):c.1314C>T (p.Phe438=)

Gene: PRKAG2 (protein kinase AMP-activated non-catalytic subunit gamma 2; minus strand). Cytogenetic location: 7q36.1.
Variant type: single nucleotide variant.
Coding change: c.1314C>T on transcript NM_016203.4 (MANE Select); coding-DNA position 1314, C replaced by T.
Protein change: p.Phe438=; no amino-acid change (phenylalanine 438 retained).
Molecular consequence: synonymous variant.
Genome position (GRCh38, 1-based): chr7:151,565,805, G>A on the plus strand (C>T on the coding strand, the complement: PRKAG2 is on the minus strand). VCF-style: chr7-151565805-G-A. GRCh37 (hg19) VCF-style: chr7-151262891-G-A.
Other names: c.1182C>T, p.Phe394= (NM_001040633.2); c.939C>T, p.Phe313= (NM_001304527.2); c.591C>T, p.Phe197= (NM_001304531.2, NM_024429.2); c.942C>T, p.Phe314= (NM_001363698.2).
Identifiers: ClinVar variation 628830 (VCV000628830.3), dbSNP rs1563145514, ClinGen allele CA458666448.